The following is an entry in ClinVar:

NM_032119.4(ADGRV1):c.1441G>A (p.Glu481Lys)

Gene: ADGRV1 (adhesion G protein-coupled receptor V1; plus strand). Cytogenetic location: 5q14.3.
Variant type: single nucleotide variant.
Coding change: c.1441G>A on transcript NM_032119.4 (MANE Select); coding-DNA position 1441, G replaced by A.
Protein change: p.Glu481Lys; replaces glutamic acid 481 with lysine.
Molecular consequence: missense variant. On other transcripts: non-coding transcript variant (1).
Genome position (GRCh38, 1-based): chr5:90,628,764, G>A. VCF-style: chr5-90628764-G-A. GRCh37 (hg19) VCF-style: chr5-89924581-G-A.
Other names: short protein forms E481K.
Identifiers: ClinVar variation 2413777 (VCV002413777.5), dbSNP rs978477034, ClinGen allele CA121826421.

ClinVar aggregate classification (germline): Uncertain significance. Review status: criteria provided, multiple submitters, no conflicts (2 of 4 stars). 2 submissions from 2 submitters: Uncertain significance (2). Last evaluated 2022-07-03.

Submissions (2):

Labcorp Genetics (formerly Invitae), Labcorp
Classification: Uncertain significance. Last evaluated: 2022-07-03. Review status: criteria provided, single submitter. Criteria: Invitae Variant Classification Sherloc (09022015). Collection method: clinical testing. Allele origin: germline.
Comment: In summary, the available evidence is currently insufficient to determine the role of this variant in disease. Therefore, it has been classified as a Variant of Uncertain Significance. Algorithms developed to predict the effect of missense changes on protein structure and function are either unavailable or do not agree on the potential impact of this missense change (SIFT: "Deleterious"; PolyPhen-2: "Possibly Damaging"; Align-GVGD: "Class C0"). This variant has not been reported in the literature in individuals affected with ADGRV1-related conditions. This variant is not present in population databases (gnomAD no frequency). This sequence change replaces glutamic acid, which is acidic and polar, with lysine, which is basic and polar, at codon 481 of the ADGRV1 protein (p.Glu481Lys).

Blueprint Genetics
Classification: Uncertain significance. Last evaluated: 2021-05-10. Review status: criteria provided, single submitter. Criteria: ACMG Guidelines, 2015. Collection method: clinical testing. Allele origin: germline.